The following is an entry in ClinVar:

ClinVar aggregate classification (germline): Uncertain significance (1 of 4 stars; one submission).

Conditions:
Neurofibromatosis, type 2 (SWNV). Also called: BILATERAL ACOUSTIC NEUROFIBROMATOSIS; NF2-Related Schwannomatosis; SCHWANNOMATOSIS, VESTIBULAR. Identifiers: Orphanet 637, MedGen C0027832, MONDO:0007039, OMIM 101000. Disease mechanism: loss of function.

Submission:

Labcorp Genetics (formerly Invitae), Labcorp
Classification: Uncertain significance for Neurofibromatosis, type 2. Last evaluated: 2023-01-15. Review status: criteria provided, single submitter. Criteria: Invitae Variant Classification Sherloc (09022015). Collection method: clinical testing. Allele origin: germline.
Comment: In summary, the available evidence is currently insufficient to determine the role of this variant in disease. Therefore, it has been classified as a Variant of Uncertain Significance. Advanced modeling of protein sequence and biophysical properties (such as structural, functional, and spatial information, amino acid conservation, physicochemical variation, residue mobility, and thermodynamic stability) performed at Invitae indicates that this missense variant is not expected to disrupt NF2 protein function. This variant has not been reported in the literature in individuals affected with NF2-related conditions. This variant is not present in population databases (gnomAD no frequency). This sequence change replaces leucine, which is neutral and non-polar, with glutamine, which is neutral and polar, at codon 431 of the NF2 protein (p.Leu431Gln).

NM_000268.4(NF2):c.1292T>A (p.Leu431Gln)

Gene: NF2 (NF2, moesin-ezrin-radixin like (MERLIN) tumor suppressor; plus strand). Cytogenetic location: 22q12.2.
Variant type: single nucleotide variant.
Coding change: c.1292T>A on transcript NM_000268.4 (MANE Select); coding-DNA position 1292, T replaced by A.
Protein change: p.Leu431Gln; replaces leucine 431 with glutamine.
Molecular consequence: missense variant. On other transcripts: intron variant (1).
Genome position (GRCh38, 1-based): chr22:29,673,438, T>A. VCF-style: chr22-29673438-T-A. GRCh37 (hg19) VCF-style: chr22-30069427-T-A.
Other names: c.1178T>A, p.Leu393Gln (NM_001407053.1, NM_001407056.1); c.1169T>A, p.Leu390Gln (NM_001407054.1, NM_001407058.1, NM_181829.3); c.1166T>A, p.Leu389Gln (NM_001407055.1, NM_181828.3); c.1157T>A, p.Leu386Gln (NM_001407057.1, NM_001407059.1); c.1292T>A, p.Leu431Gln (NM_001407060.1, NM_001407066.1, NM_016418.5 and 2 more transcripts); c.1034T>A, p.Leu345Gln (NM_001407062.1); c.1043T>A, p.Leu348Gln (NM_001407063.1, NM_001407064.1, NM_181830.3 and 1 more transcripts); c.758T>A, p.Leu253Gln (NM_001407065.1); and 2 more; short protein forms L348Q, L390Q, L253Q, L354Q, L345Q, L389Q, L431Q, L386Q.
Identifiers: ClinVar variation 2828784 (VCV002828784.3), dbSNP rs2518681771, ClinGen allele CA411148527.